The following is an entry in ClinVar:

ClinVar aggregate classification (germline): Uncertain significance (1 of 4 stars; one submission).

Conditions:
Congenital myasthenic syndrome 8. Also called: MYASTHENIC SYNDROME, CONGENITAL, DUE TO AGRIN DEFICIENCY; Myasthenic syndrome, congenital, 8, with pre- and postsynaptic defects. Identifiers: Orphanet 590, MedGen C3808739, MONDO:0014052, OMIM 615120.

Allele frequency attached by ClinVar (database versions not stated): gnomAD exomes below 0.00001.
gnomAD v4.1: 2 of 1,613,100 alleles (0.00012%); highest among the groups gnomAD compares: Non-Finnish European, 0.00017%; no homozygotes.

Submission:

Labcorp Genetics (formerly Invitae), Labcorp
Classification: Uncertain significance for Congenital myasthenic syndrome 8. Last evaluated: 2022-06-20. Review status: criteria provided, single submitter. Criteria: Invitae Variant Classification Sherloc (09022015). Collection method: clinical testing. Allele origin: germline.
Comment: This variant is not present in population databases (gnomAD no frequency). This sequence change replaces histidine, which is basic and polar, with tyrosine, which is neutral and polar, at codon 1207 of the AGRN protein (p.His1207Tyr). This variant has not been reported in the literature in individuals affected with AGRN-related conditions. In summary, the available evidence is currently insufficient to determine the role of this variant in disease. Therefore, it has been classified as a Variant of Uncertain Significance. Algorithms developed to predict the effect of missense changes on protein structure and function are either unavailable or do not agree on the potential impact of this missense change (SIFT: "Deleterious"; PolyPhen-2: "Possibly Damaging"; Align-GVGD: "Class C0"). ClinVar contains an entry for this variant (Variation ID: 1062476).

NM_198576.4(AGRN):c.3619C>T (p.His1207Tyr)

Gene: AGRN (agrin; plus strand). Cytogenetic location: 1p36.33.
Variant type: single nucleotide variant.
Coding change: c.3619C>T on transcript NM_198576.4 (MANE Select); coding-DNA position 3619, C replaced by T.
Protein change: p.His1207Tyr; replaces histidine 1207 with tyrosine.
Molecular consequence: missense variant.
Genome position (GRCh38, 1-based): chr1:1,047,675, C>T. VCF-style: chr1-1047675-C-T. GRCh37 (hg19) VCF-style: chr1-983055-C-T.
Other names: c.3619C>T, p.His1207Tyr (NM_001305275.2); c.3304C>T, p.His1102Tyr (NM_001364727.2); short protein forms H1102Y, H1207Y.
Identifiers: ClinVar variation 1062476 (VCV001062476.10), dbSNP rs2100665199, ClinGen allele CA337850976.